The following is an entry in ClinVar:

NM_004304.5(ALK):c.2041+5G>T

Gene: ALK (ALK receptor tyrosine kinase; minus strand). Cytogenetic location: 2p23.2.
Variant type: single nucleotide variant.
Coding change: c.2041+5G>T on transcript NM_004304.5 (MANE Select); 5 bases into the intron after coding-DNA position 2041, G replaced by T.
Molecular consequence: intron variant.
Genome position (GRCh38, 1-based): chr2:29,275,094, C>A on the plus strand (G>T on the coding strand, the complement: ALK is on the minus strand). VCF-style: chr2-29275094-C-A. GRCh37 (hg19) VCF-style: chr2-29497960-C-A.
Identifiers: ClinVar variation 3722594 (VCV003722594.2).
Genomic context (GRCh38, chr2:29,275,094, plus strand): 5'-CAATCTTTCTTCTGCCTTTTGCAACAAGAAGTTACTGTGCTCACATTTGTGAGCTGAACC[C>A]TTACCTGTAGGGTCAAAGATGGGGGTCTGTCTTGGTGAATTTTCCCCGGGTTTCAGCTCC-3'

ClinVar aggregate classification (germline): Uncertain significance (1 of 4 stars; one submission).

Conditions:
Neuroblastoma, susceptibility to, 3. Also called: ALK-Related Neuroblastic Tumor Susceptibility. Identifiers: Orphanet 635, MedGen C2751681, MONDO:0013083, OMIM 613014.

Submission:

Labcorp Genetics (formerly Invitae), Labcorp
Classification: Uncertain significance for Neuroblastoma, susceptibility to, 3. Last evaluated: 2024-10-10. Review status: criteria provided, single submitter. Criteria: Invitae Variant Classification Sherloc (09022015). Collection method: clinical testing. Allele origin: germline.
Comment: This sequence change falls in intron 11 of the ALK gene. It does not directly change the encoded amino acid sequence of the ALK protein. It affects a nucleotide within the consensus splice site. This variant is not present in population databases (gnomAD no frequency). This variant has not been reported in the literature in individuals affected with ALK-related conditions. Variants that disrupt the consensus splice site are a relatively common cause of aberrant splicing (PMID: 17576681, 9536098). Algorithms developed to predict the effect of sequence changes on RNA splicing suggest that this variant is not likely to affect RNA splicing. In summary, the available evidence is currently insufficient to determine the role of this variant in disease. Therefore, it has been classified as a Variant of Uncertain Significance.

Literature cited by the submitters: PubMed 17576681; PubMed 9536098.